The following is an entry in ClinVar:

ClinVar aggregate classification (germline): Uncertain significance. Review status: criteria provided, multiple submitters, no conflicts (2 of 4 stars). 2 submissions from 2 submitters: Uncertain significance (2). Last evaluated 2025-07-13.

Conditions:
MHC class I deficiency. Identifiers: Orphanet 34592, MedGen C6024714, MONDO:0011476.

Allele frequency attached by ClinVar (database versions not stated): TOPMed 0.00002.
gnomAD v4.1: 11 of 1,613,610 alleles (0.00068%); highest among the groups gnomAD compares: Non-Finnish European, 0.00093%; no homozygotes.

Submissions (2):

Labcorp Genetics (formerly Invitae), Labcorp
Classification: Uncertain significance for MHC class I deficiency 1. Last evaluated: 2025-07-13. Review status: criteria provided, single submitter. Criteria: Invitae Variant Classification Sherloc (09022015). Collection method: clinical testing. Allele origin: germline.
Comment: This sequence change replaces proline, which is neutral and non-polar, with leucine, which is neutral and non-polar, at codon 54 of the TAPBP protein (p.Pro54Leu). This variant is present in population databases (rs139155669, gnomAD 0.002%). This variant has not been reported in the literature in individuals affected with TAPBP-related conditions. ClinVar contains an entry for this variant (Variation ID: 534702). An algorithm developed to predict the effect of missense changes on protein structure and function outputs the following: PolyPhen-2: "Benign". The leucine amino acid residue is found in multiple mammalian species, which suggests that this missense change does not adversely affect protein function. In summary, the available evidence is currently insufficient to determine the role of this variant in disease. Therefore, it has been classified as a Variant of Uncertain Significance.

Ambry Genetics
Classification: Uncertain significance. Last evaluated: 2025-06-29. Review status: criteria provided, single submitter. Criteria: Ambry Variant Classification Scheme 2023. Collection method: clinical testing. Allele origin: germline.

NM_003190.5(TAPBP):c.161C>T (p.Pro54Leu)

Gene: TAPBP (TAP binding protein; minus strand). Cytogenetic location: 6p21.32.
Variant type: single nucleotide variant.
Coding change: c.161C>T on transcript NM_003190.5 (MANE Select); coding-DNA position 161, C replaced by T.
Protein change: p.Pro54Leu; replaces proline 54 with leucine.
Molecular consequence: missense variant.
Genome position (GRCh38, 1-based): chr6:33,313,741, G>A on the plus strand (C>T on the coding strand, the complement: TAPBP is on the minus strand). VCF-style: chr6-33313741-G-A. GRCh37 (hg19) VCF-style: chr6-33281518-G-A.
Other names: c.161C>T, p.Pro54Leu (NM_172208.3, NM_172209.3); short protein forms P54L.
Identifiers: ClinVar variation 534702 (VCV000534702.10), dbSNP rs139155669, ClinGen allele CA3755959.